The following is an entry in ClinVar:

ClinVar aggregate classification (germline): Uncertain significance. Review status: criteria provided, multiple submitters, no conflicts (2 of 4 stars). 2 submissions from 2 submitters: Uncertain significance (2). Last evaluated 2025-11-24.

Conditions:
Inborn genetic diseases. Identifiers: MedGen C0950123, MeSH D030342.
STING-associated vasculopathy with onset in infancy. Also called: Sting-associated vasculopathy, infantile-onset. Identifiers: Orphanet 425120, MedGen C4014722, MONDO:0014405, OMIM 615934.

Allele frequency attached by ClinVar (database versions not stated): gnomAD 0.00001; gnomAD exomes 0.00002; TOPMed 0.00002; ExAC 0.00003.
gnomAD v4.1: 27 of 1,614,046 alleles (0.0017%); highest among the groups gnomAD compares: East Asian, 0.033%; no homozygotes.

Submissions (2):

Ambry Genetics
Classification: Uncertain significance for Inborn genetic diseases. Last evaluated: 2025-11-24. Review status: criteria provided, single submitter. Criteria: Ambry Variant Classification Scheme 2023. Collection method: clinical testing. Allele origin: germline.

Labcorp Genetics (formerly Invitae), Labcorp
Classification: Uncertain significance for STING-associated vasculopathy with onset in infancy. Last evaluated: 2025-07-06. Review status: criteria provided, single submitter. Criteria: Invitae Variant Classification Sherloc (09022015). Collection method: clinical testing. Allele origin: germline.
Comment: This sequence change replaces arginine, which is basic and polar, with glutamine, which is neutral and polar, at codon 197 of the TMEM173 protein (p.Arg197Gln). This variant is present in population databases (rs760564156, gnomAD 0.004%). This variant has not been reported in the literature in individuals affected with TMEM173-related conditions. ClinVar contains an entry for this variant (Variation ID: 541979). Invitae Evidence Modeling of protein sequence and biophysical properties (such as structural, functional, and spatial information, amino acid conservation, physicochemical variation, residue mobility, and thermodynamic stability) has been performed for this missense variant. However, the output from this modeling did not meet the statistical confidence thresholds required to predict the impact of this variant on TMEM173 protein function. In summary, the available evidence is currently insufficient to determine the role of this variant in disease. Therefore, it has been classified as a Variant of Uncertain Significance.

NM_198282.4(STING1):c.590G>A (p.Arg197Gln)

Gene: STING1 (stimulator of interferon response cGAMP interactor 1; minus strand). Cytogenetic location: 5q31.2.
Variant type: single nucleotide variant.
Coding change: c.590G>A on transcript NM_198282.4 (MANE Select); coding-DNA position 590, G replaced by A.
Protein change: p.Arg197Gln; replaces arginine 197 with glutamine.
Molecular consequence: missense variant.
Genome position (GRCh38, 1-based): chr5:139,478,439, C>T on the plus strand (G>A on the coding strand, the complement: STING1 is on the minus strand). VCF-style: chr5-139478439-C-T. GRCh37 (hg19) VCF-style: chr5-138858024-C-T.
Other names: c.590G>A (NM_198282.2); c.590G>A, p.Arg197Gln (LRG_1308t1, NM_001301738.2); c.233G>A, p.Arg78Gln (NM_001367258.1); short protein forms R197Q, R78Q.
Identifiers: ClinVar variation 541979 (VCV000541979.10), dbSNP rs760564156, ClinGen allele CA3435362.